The following is an entry in ClinVar:

ClinVar aggregate classification (germline): Likely pathogenic (1 of 4 stars; one submission).

Conditions:
Mucopolysaccharidosis, MPS-III-A (MPS3A). Also called: Mucopolysaccharidosis, type IIIA; mucopolysaccharidosis type 3A; MPS IIIA (Sanfilippo Syndrome Type A); HEPARAN SULFATE SULFATASE DEFICIENCY; SANFILIPPO SYNDROME A; SULFAMIDASE DEFICIENCY. Identifiers: Orphanet 581, Orphanet 79269, MedGen C0086647, MONDO:0009655, OMIM 252900.

Submission:

Natera, Inc.
Classification: Likely pathogenic for Mucopolysaccharidosis type IIIA. Last evaluated: 2025-12-18. Review status: criteria provided, single submitter. Criteria: Natera Variant Classification Schema (03/2026). Collection method: clinical testing. Allele origin: germline.
Comment: The c.1272C>A variant in SGSH is a nonsense variant predicted to introduce a stop codon at amino acid 424. This variant is expected to result in nonsense mediated decay, truncation, or a dysfunctional protein product. This variant is rare in the general population with a frequency below the threshold expected for the associated phenotype(s). Given the available evidence, this variant is classified as Likely Pathogenic.

NM_000199.5(SGSH):c.1272C>A (p.Tyr424Ter)

Gene: SGSH (N-sulfoglucosamine sulfohydrolase; minus strand). Cytogenetic location: 17q25.3.
Variant type: single nucleotide variant.
Coding change: c.1272C>A on transcript NM_000199.5 (MANE Select); coding-DNA position 1272, C replaced by A.
Protein change: p.Tyr424Ter; replaces tyrosine 424 with a stop codon.
Molecular consequence: nonsense. On other transcripts: 3 prime UTR variant (2), non-coding transcript variant (1).
Genome position (GRCh38, 1-based): chr17:80,210,689, G>T on the plus strand (C>A on the coding strand, the complement: SGSH is on the minus strand). VCF-style: chr17-80210689-G-T. GRCh37 (hg19) VCF-style: chr17-78184488-G-T.
Other names: c.*359C>A (NM_001352921.3); c.*322C>A (NM_001352922.2); short protein forms Y424*.
Identifiers: ClinVar variation 4817905 (VCV004817905.1).